The following is an entry in ClinVar:

ClinVar aggregate classification (germline): Likely benign (1 of 4 stars; one submission).

gnomAD v4.1: 21 of 1,562,050 alleles (0.0013%); highest among the groups gnomAD compares: Non-Finnish European, 0.0018%; no homozygotes.

Submission:

CeGaT Center for Human Genetics Tuebingen
Classification: Likely benign. Last evaluated: 2024-11-01. Review status: criteria provided, single submitter. Criteria: CeGaT Center For Human Genetics Tuebingen Variant Classification Criteria Version 2. Collection method: clinical testing. Allele origin: germline. Affected: yes. Observed: 1 variant allele.
Comment: PKD1: BP4, BP7

NM_001009944.3(PKD1):c.816C>A (p.Ser272=)

Gene: PKD1 (polycystin 1, transient receptor potential channel interacting; minus strand). Cytogenetic location: 16p13.3.
Variant type: single nucleotide variant.
Coding change: c.816C>A on transcript NM_001009944.3 (MANE Select); coding-DNA position 816, C replaced by A.
Protein change: p.Ser272=; no amino-acid change (serine 272 retained).
Molecular consequence: synonymous variant.
Genome position (GRCh38, 1-based): chr16:2,118,176, G>T on the plus strand (C>A on the coding strand, the complement: PKD1 is on the minus strand). VCF-style: chr16-2118176-G-T. GRCh37 (hg19) VCF-style: chr16-2168177-G-T.
Other names: c.816C>A, p.Ser272= (NM_000296.4).
Identifiers: ClinVar variation 3388692 (VCV003388692.14).
Genomic context (GRCh38, chr16:2,118,176, plus strand): 5'-GAAGGCTGCTAGCTGGCCAGAGGCCAGAGGTCCGTGGGGCCCCACCAGGGTGGCCCCTGG[G>T]GAGGCAGGGAAGACGTGCTGGAGGAGGGTGGGGCCCCTACAGGTGGGGGCAGGAGGTGGC-3'
Protein context (NP_001009944.3, residues 262-282): PTLLQHVFPA[Ser272=]PGATLVGPHG